The following is an entry in ClinVar:

NC_000012.11:g.(?_123738222)_(123738523_?)del

Gene: MTRFR (mitochondrial translation release factor in rescue; plus strand). Cytogenetic location: 12q24.31.
Variant type: Deletion.
Identifiers: ClinVar variation 3244330 (VCV003244330.1).

ClinVar aggregate classification (germline): Pathogenic (1 of 4 stars; one submission).

Conditions:
Combined oxidative phosphorylation defect type 7. Identifiers: Orphanet 254930, MedGen C3150801, MONDO:0013306, OMIM 613559.
Spastic paraplegia. Identifiers: MedGen C0037772, HP:0001258.

Submission:

Labcorp Genetics (formerly Invitae), Labcorp
Classification: Pathogenic for Combined oxidative phosphorylation defect type 7; Spastic paraplegia. Last evaluated: 2023-12-23. Review status: criteria provided, single submitter. Criteria: Invitae Variant Classification Sherloc (09022015). Collection method: clinical testing. Allele origin: unknown.
Comment: This variant is a gross deletion of the genomic region encompassing exon(s) 2 of the C12orf65 gene, which includes the initiator codon. This deletion extends beyond the assayed region for this gene and therefore may encompass additional genes. It is expected to result in an absent or disrupted protein product. Loss-of-function variants in C12orf65 are known to be pathogenic (PMID: 20598281, 24424123). A similar copy number variant has been observed in individual(s) with clinical features of C12orf65 associated conditions (PMID: 31694722). For these reasons, this variant has been classified as Pathogenic.

Literature cited by the submitters: PubMed 20598281; PubMed 24424123; PubMed 31694722.